The following is an entry in ClinVar:

NM_018250.4(INTS9):c.927G>A (p.Leu309=)

Gene: INTS9 (integrator complex subunit 9; minus strand). Cytogenetic location: 8p21.1.
Variant type: single nucleotide variant.
Coding change: c.927G>A on transcript NM_018250.4 (MANE Select); coding-DNA position 927, G replaced by A.
Protein change: p.Leu309=; no amino-acid change (leucine 309 retained).
Molecular consequence: synonymous variant. On other transcripts: non-coding transcript variant (1).
Genome position (GRCh38, 1-based): chr8:28,793,917, C>T on the plus strand (G>A on the coding strand, the complement: INTS9 is on the minus strand). VCF-style: chr8-28793917-C-T. GRCh37 (hg19) VCF-style: chr8-28651434-C-T.
Other names: c.864G>A, p.Leu288= (NM_001145159.3); c.855G>A, p.Leu285= (NM_001172562.2); c.927G>A, p.Leu309= (NM_001363038.2).
Identifiers: ClinVar variation 2658508 (VCV002658508.24), dbSNP rs138901254, ClinGen allele CA4696915.

ClinVar aggregate classification (germline): Likely benign (1 of 4 stars; one submission).

Allele frequency attached by ClinVar (database versions not stated): 1000 Genomes Project 0.00280; 1000 Genomes Project 30x 0.00297; ESP Exome Variant Server 0.00515.
gnomAD v4.1: 9,129 of 1,613,970 alleles (0.57%); highest among the groups gnomAD compares: South Asian, 0.98%; 45 homozygotes.

Submission:

CeGaT Center for Human Genetics Tuebingen
Classification: Likely benign. Last evaluated: 2023-03-01. Review status: criteria provided, single submitter. Criteria: CeGaT Center For Human Genetics Tuebingen Variant Classification Criteria Version 2. Collection method: clinical testing. Allele origin: germline. Affected: yes. Observed: 1 variant allele.
Comment: INTS9: BP4, BP7, BS2